The following is an entry in ClinVar:

NM_017852.5(NLRP2):c.1695A>G (p.Arg565=)

Gene: NLRP2 (NLR family pyrin domain containing 2; plus strand). Cytogenetic location: 19q13.42.
Variant type: single nucleotide variant.
Coding change: c.1695A>G on transcript NM_017852.5 (MANE Select); coding-DNA position 1695, A replaced by G.
Protein change: p.Arg565=; no amino-acid change (arginine 565 retained).
Molecular consequence: synonymous variant. On other transcripts: non-coding transcript variant (1).
Genome position (GRCh38, 1-based): chr19:54,983,393, A>G. VCF-style: chr19-54983393-A-G. GRCh37 (hg19) VCF-style: chr19-55494761-A-G.
Other names: c.1695A>G, p.Arg565= (NM_001174081.3); c.1629A>G, p.Arg543= (NM_001174082.3); c.1626A>G, p.Arg542= (NM_001174083.2); c.1686A>G, p.Arg562= (NM_001348003.2).
Identifiers: ClinVar variation 3033385 (VCV003033385.2), dbSNP rs201465832, ClinGen allele CA310105355.

ClinVar aggregate classification (germline): Likely benign (0 of 4 stars; one submission).

Conditions:
NLRP2-related disorder. Also called: NLRP2-related condition.

Allele frequency attached by ClinVar (database versions not stated): ExAC 0.00003; gnomAD 0.00007; ESP Exome Variant Server 0.00008; TOPMed 0.00008; gnomAD exomes 0.00009.
gnomAD v4.1: 138 of 1,614,052 alleles (0.0085%); highest among the groups gnomAD compares: Non-Finnish European, 0.011%; no homozygotes.

Submission:

PreventionGenetics, part of Exact Sciences
Classification: Likely benign for NLRP2-related condition. Last evaluated: 2020-10-17. Review status: no assertion criteria provided. Collection method: clinical testing. Allele origin: germline.
Comment: This variant is classified as likely benign based on ACMG/AMP sequence variant interpretation guidelines (Richards et al. 2015 PMID: 25741868, with internal and published modifications).